The following is an entry in ClinVar:

ClinVar aggregate classification (germline): Pathogenic (1 of 4 stars; one submission).

Submission:

Labcorp Genetics (formerly Invitae), Labcorp
Classification: Pathogenic. Last evaluated: 2025-04-09. Review status: criteria provided, single submitter. Criteria: Invitae Variant Classification Sherloc (09022015). Collection method: clinical testing. Allele origin: germline.
Comment: This sequence change creates a premature translational stop signal (p.Ala1439Glufs*90) in the COL4A3 gene. It is expected to result in an absent or disrupted protein product. Loss-of-function variants in COL4A3 are known to be pathogenic (PMID: 8956999, 24854265, 26809805, 27281700). This variant is not present in population databases (gnomAD no frequency). This premature translational stop signal has been observed in individual(s) with Alport syndrome (PMID: 14582039). For these reasons, this variant has been classified as Pathogenic.

Literature cited by the submitters: PubMed 8956999; PubMed 24854265; PubMed 26809805; PubMed 27281700; PubMed 14582039.

NM_000091.5(COL4A3):c.4316del (p.Ala1439fs)

Genes: COL4A3 (collagen type IV alpha 3 chain; plus strand), MFF-DT (MFF divergent transcript; minus strand). Cytogenetic location: 2q36.3.
Variant type: Deletion.
Coding change: c.4316del on transcript NM_000091.5 (MANE Select); coding-DNA position 4316, one base deleted (C; older notation c.4316delC).
Protein change: p.Ala1439fs; shifts the reading frame from alanine 1439.
Molecular consequence: frameshift variant.
Genome position (GRCh38, 1-based): chr2:227,307,773, C deleted. VCF-style (leftmost placement, unchanged base first): chr2-227307772-GC-G. GRCh37 (hg19) VCF-style: chr2-228172488-GC-G.
Other names: short protein forms A1439fs.
Identifiers: ClinVar variation 4747142 (VCV004747142.1).